The following is an entry in ClinVar:

NM_000051.4(ATM):c.7351G>T (p.Ala2451Ser)

Genes: ATM (ATM serine/threonine kinase; plus strand), C11orf65 (chromosome 11 open reading frame 65; minus strand). Cytogenetic location: 11q22.3.
Variant type: single nucleotide variant.
Coding change: c.7351G>T on transcript NM_000051.4 (MANE Select); coding-DNA position 7351, G replaced by T.
Protein change: p.Ala2451Ser; replaces alanine 2451 with serine.
Molecular consequence: missense variant. On other transcripts: intron variant (2).
Genome position (GRCh38, 1-based): chr11:108,330,257, G>T. VCF-style: chr11-108330257-G-T. GRCh37 (hg19) VCF-style: chr11-108200984-G-T.
Other names: c.7351G>T, p.Ala2451Ser (NM_001351834.2); c.641-21186C>A (NM_001330368.2); c.*38+4963C>A (NM_001351110.2); short protein forms A2451S.
Identifiers: ClinVar variation 453677 (VCV000453677.9), dbSNP rs587779862, ClinGen allele CA382559946.
Genomic context (GRCh38, chr11:108,330,257, plus strand): 5'-TAATTATTCTATGCAAGATACACAGTAAAGGTTCAGCGAGAGCTGGAGTTGGATGAATTA[G>T]CCCTGCGTGCACTGAAAGAGGATCGTAAACGCTTCTTATGTAAAGCAGTTGAAAATTATA-3'
Protein context (NP_000042.3, residues 2441-2461): VQRELELDEL[Ala2451Ser]LRALKEDRKR

ClinVar aggregate classification (germline): Uncertain significance. Review status: criteria provided, multiple submitters, no conflicts (2 of 4 stars). 2 submissions from 2 submitters: Uncertain significance (2). Last evaluated 2021-08-10.

Conditions:
Hereditary cancer-predisposing syndrome. Also called: Neoplastic Syndromes, Hereditary; Hereditary Cancer Syndrome; Tumor predisposition; Hereditary neoplastic syndrome. Identifiers: Orphanet 140162, MedGen C0027672, MeSH D009386, MONDO:0015356.
Ataxia-telangiectasia syndrome (AT). Also called: LOUIS-BAR SYNDROME; Cerebello-oculocutaneous telangiectasia; Immunodeficiency with ataxia telangiectasia; Ataxia-telangiectasia, complementation group D; AT, COMPLEMENTATION GROUP C; Ataxia-telangiectasia, complementation group E. Identifiers: Orphanet 100, MedGen C0004135, MONDO:0008840, OMIM 208900.

Allele frequency attached by ClinVar (database versions not stated): gnomAD exomes below 0.00001.
gnomAD v4.1: 1 of 1,614,184 alleles (0.000062%); highest among the groups gnomAD compares: African/African-American, 0.0013%; no homozygotes.

Submissions (2):

Sema4
Classification: Uncertain significance for Hereditary cancer-predisposing syndrome. Last evaluated: 2021-08-10. Review status: criteria provided, single submitter. Criteria: Sema4 Curation Guidelines. Collection method: curation. Allele origin: germline.
Comment: To the best of our knowledge, the ATM c.7351G>T (p.A2451S) variant has not been reported in individuals with ATM-related disease. It was not observed in the large and broad cohorts of the Genome Aggregation Database (PMID: 32461654). This variant has been reported in ClinVar (Variation ID 453677). Functional studies have not been performed, and in silico predictions of the variant's effect on protein function are inconclusive. The evidence is insufficient to meet ACMG/AMP criteria for classifying the variant as benign or pathogenic. Thus, the clinical significance of this variant is currently uncertain.

Labcorp Genetics (formerly Invitae), Labcorp
Classification: Uncertain significance for Ataxia-telangiectasia syndrome. Last evaluated: 2021-03-22. Review status: criteria provided, single submitter. Criteria: Invitae Variant Classification Sherloc (09022015). Collection method: clinical testing. Allele origin: germline.
Comment: In summary, the available evidence is currently insufficient to determine the role of this variant in disease. Therefore, it has been classified as a Variant of Uncertain Significance. Algorithms developed to predict the effect of missense changes on protein structure and function (SIFT, PolyPhen-2, Align-GVGD) all suggest that this variant is likely to be tolerated, but these predictions have not been confirmed by published functional studies and their clinical significance is uncertain. This variant has not been reported in the literature in individuals with ATM-related disease. This variant is not present in population databases (ExAC no frequency). This sequence change replaces alanine with serine at codon 2451 of the ATM protein (p.Ala2451Ser). The alanine residue is moderately conserved and there is a moderate physicochemical difference between alanine and serine.